The following is an entry in ClinVar:

NM_000059.4(BRCA2):c.5209_5273dup (p.Asn1758delinsLysIleLeuIleTer)

Gene: BRCA2 (BRCA2 DNA repair associated; plus strand). Cytogenetic location: 13q13.1.
Variant type: Duplication.
Coding change: c.5209_5273dup on transcript NM_000059.4 (MANE Select); coding-DNA positions 5209 to 5273, 65 bases duplicated.
Protein change: p.Asn1758delinsLysIleLeuIleTer.
Molecular consequence: nonsense.
Genome position (GRCh38, 1-based): chr13:32,339,564-32,339,628, 65 bases duplicated. GRCh37 (hg19): chr13:32,913,701-32,913,765.
Identifiers: ClinVar variation 654783 (VCV000654783.7), dbSNP rs1593904758, ClinGen allele CA915948485.

ClinVar aggregate classification (germline): Pathogenic (1 of 4 stars; one submission).

Conditions:
Hereditary breast ovarian cancer syndrome. Also called: Hereditary breast and ovarian cancer; Hereditary breast and/or ovarian cancer syndrome; Breast and ovarian cancer; BRCA1- and BRCA2-Associated Hereditary Breast and Ovarian Cancer; Hereditary breast and ovarian cancer syndrome; Hereditary breast and ovarian cancer syndrome (HBOC). Identifiers: Orphanet 145, MedGen C0677776, MeSH D061325, MONDO:0003582. Disease mechanism: loss of function.

Submission:

Labcorp Genetics (formerly Invitae), Labcorp
Classification: Pathogenic for Hereditary breast ovarian cancer syndrome. Last evaluated: 2018-10-13. Review status: criteria provided, single submitter. Criteria: Invitae Variant Classification Sherloc (09022015). Collection method: clinical testing. Allele origin: germline.
Comment: This variant is not present in population databases (ExAC no frequency). This variant has not been reported in the literature in individuals with BRCA2-related disease. Loss-of-function variants in BRCA2 are known to be pathogenic (PMID: 20104584). For these reasons, this variant has been classified as Pathogenic. This sequence change creates a premature translational stop signal (p.Asn1758Lysfs*5) in the BRCA2 gene. It is expected to result in an absent or disrupted protein product.

Literature cited by the submitters: PubMed 20104584.